The following is an entry in ClinVar:

ClinVar aggregate classification (germline): Pathogenic. Review status: criteria provided, multiple submitters, no conflicts (2 of 4 stars). 2 submissions from 2 submitters: Pathogenic (2). Last evaluated 2024-08-01.

Conditions:
Usher syndrome type 2A. Also called: USHER SYNDROME, TYPE IIA; RETINAL DISEASE IN USHER SYNDROME TYPE IIA, MODIFIER OF. Identifiers: Orphanet 231178, Orphanet 886, MedGen C1848634, MONDO:0010169, OMIM 276901.

Submissions (2):

3billion
Classification: Pathogenic for Usher syndrome type 2A. Last evaluated: 2024-08-01. Review status: criteria provided, single submitter. Criteria: ACMG Guidelines, 2015. Collection method: clinical testing. Allele origin: germline. Affected: yes.
Comment: The variant is observed at an extremely low frequency in the gnomAD v4.0.0 dataset (total allele frequency: <0.001%). Predicted Consequence/Location: Frameshift: predicted to result in a loss or disruption of normal protein function through nonsense-mediated decay (NMD) or protein truncation. Multiple pathogenic variants are reported downstream of the variant. The variant has been reported to be associated with USH2A related disorder (ClinVar ID: VCV001451960). Therefore, this variant is classified as Pathogenic according to the recommendation of ACMG/AMP guideline.

Labcorp Genetics (formerly Invitae), Labcorp
Classification: Pathogenic. Last evaluated: 2022-12-20. Review status: criteria provided, single submitter. Criteria: Invitae Variant Classification Sherloc (09022015). Collection method: clinical testing. Allele origin: germline.
Comment: For these reasons, this variant has been classified as Pathogenic. ClinVar contains an entry for this variant (Variation ID: 1451960). This sequence change creates a premature translational stop signal (p.Leu1089Tyrfs*23) in the USH2A gene. It is expected to result in an absent or disrupted protein product. Loss-of-function variants in USH2A are known to be pathogenic (PMID: 10729113, 10909849, 20507924, 25649381). This variant is not present in population databases (gnomAD no frequency). This variant has not been reported in the literature in individuals affected with USH2A-related conditions.

Literature cited by the submitters: PubMed 10729113 (cited by Labcorp Genetics (formerly Invitae), Labcorp); PubMed 10909849 (cited by Labcorp Genetics (formerly Invitae), Labcorp); PubMed 20507924 (cited by Labcorp Genetics (formerly Invitae), Labcorp); PubMed 25649381 (cited by Labcorp Genetics (formerly Invitae), Labcorp).

NM_206933.4(USH2A):c.3266del (p.Leu1089fs)

Genes: USH2A (usherin; minus strand), USH2A-AS1 (USH2A antisense RNA 1; plus strand). Cytogenetic location: 1q41.
Variant type: Deletion.
Coding change: c.3266del on transcript NM_206933.4 (MANE Select); coding-DNA position 3266, one base deleted (T; older notation c.3266delT).
Protein change: p.Leu1089fs; shifts the reading frame from leucine 1089.
Molecular consequence: frameshift variant.
Genome position (GRCh38, 1-based): chr1:216,207,323, A deleted on the plus strand (T on the coding strand, the reverse complement: USH2A is on the minus strand); the first of 3 consecutive A bases (chr1:216,207,323-216,207,325); deleting any one gives the same sequence. VCF-style (leftmost placement, unchanged base first): chr1-216207322-TA-T. GRCh37 (hg19) VCF-style: chr1-216380664-TA-T.
Other names: c.3266del, p.Leu1089fs (NM_007123.6); short protein forms L1089fs.
Identifiers: ClinVar variation 1451960 (VCV001451960.7), dbSNP rs2102480814, ClinGen allele CA2573132024.